The following is an entry in ClinVar:

NM_000256.3(MYBPC3):c.1580T>C (p.Leu527Pro)

Gene: MYBPC3 (myosin binding protein C3; minus strand). Cytogenetic location: 11p11.2.
Variant type: single nucleotide variant.
Coding change: c.1580T>C on transcript NM_000256.3 (MANE Select); coding-DNA position 1580, T replaced by C.
Protein change: p.Leu527Pro; replaces leucine 527 with proline.
Molecular consequence: missense variant.
Genome position (GRCh38, 1-based): chr11:47,342,622, A>G on the plus strand (T>C on the coding strand, the complement: MYBPC3 is on the minus strand). VCF-style: chr11-47342622-A-G. GRCh37 (hg19) VCF-style: chr11-47364173-A-G.
Other names: short protein forms L527P.
Identifiers: ClinVar variation 810756 (VCV000810756.1), dbSNP rs761466191, ClinGen allele CA078181.
Genomic context (GRCh38, chr11:47,342,622, plus strand): 5'-CCCCAGCCAGGCTCACCCTGCACAATGAGCTCAGCCAGCGCCTGGCCCCCGCTAGTGCAC[A>G]GTGCATAGTGCCCCGCGTCCTCCAGCATGGCCTCGTTGATGATCAGGTGGTGTCTCTGCC-3'
Protein context (NP_000247.2, residues 517-537): AMLEDAGHYA[Leu527Pro]CTSGGQALAE

ClinVar aggregate classification (germline): Uncertain significance (1 of 4 stars; one submission).

Conditions:
Hypertrophic cardiomyopathy 4. Also called: Familial hypertrophic cardiomyopathy 4. Identifiers: MedGen C1861862, MONDO:0007268, OMIM 115197.

Allele frequency attached by ClinVar (database versions not stated): ExAC 0.00001; gnomAD exomes 0.00001.
gnomAD v4.1: 7 of 1,613,758 alleles (0.00043%); highest among the groups gnomAD compares: East Asian, 0.0045%; no homozygotes.

Submission:

Agnes Ginges Centre for Molecular Cardiology, Centenary Institute
Classification: Uncertain significance for Hypertrophic cardiomyopathy 4. Last evaluated: 2018-10-12. Review status: criteria provided, single submitter. Criteria: ACMG Guidelines, 2015. Collection method: research. Allele origin: germline. Inheritance: Autosomal dominant inheritance. Affected: yes.
Comment: This MYBPC3 Leu527Pro has not been previously reported in individuals with hypertrophic cardiomyopathy and has an allele frequency of 0.000008 in the Genome Aggregation Database. This variant has not been reported in the literature or observed in other HCM cases. In silico tools for this missense variant are limited. We cannot completely exclude this variants role in disease pathogenesis therefore, we classify MYBPC3 Leu527Pro as a variant of "uncertain significance".